The following is an entry in ClinVar:

NM_022552.5(DNMT3A):c.373C>G (p.Leu125Val)

Gene: DNMT3A (DNA methyltransferase 3 alpha; minus strand). Cytogenetic location: 2p23.3.
Variant type: single nucleotide variant.
Coding change: c.373C>G on transcript NM_022552.5 (MANE Select); coding-DNA position 373, C replaced by G.
Protein change: p.Leu125Val; replaces leucine 125 with valine.
Molecular consequence: missense variant. On other transcripts: non-coding transcript variant (1).
Genome position (GRCh38, 1-based): chr2:25,282,516, G>C on the plus strand (C>G on the coding strand, the complement: DNMT3A is on the minus strand). VCF-style: chr2-25282516-G-C. GRCh37 (hg19) VCF-style: chr2-25505385-G-C.
Other names: c.373C>G, p.Leu125Val (NM_001320892.2, NM_175629.2, NM_175630.1); short protein forms L125V.
Identifiers: ClinVar variation 2778282 (VCV002778282.3), dbSNP rs1053272861, ClinGen allele CA43726357.

ClinVar aggregate classification (germline): Uncertain significance (1 of 4 stars; one submission).

Conditions:
Tatton-Brown-Rahman overgrowth syndrome. Also called: Tall stature-intellectual disability-facial dysmorphism syndrome; Tatton-Brown-Rahman syndrome. Identifiers: Orphanet 404443, MedGen C4014545, MONDO:0014382, OMIM 615879.

Allele frequency attached by ClinVar (database versions not stated): TOPMed 0.00001.

Submission:

Labcorp Genetics (formerly Invitae), Labcorp
Classification: Uncertain significance for Tatton-Brown-Rahman overgrowth syndrome. Last evaluated: 2024-11-26. Review status: criteria provided, single submitter. Criteria: Invitae Variant Classification Sherloc (09022015). Collection method: clinical testing. Allele origin: germline.
Comment: This sequence change replaces leucine, which is neutral and non-polar, with valine, which is neutral and non-polar, at codon 125 of the DNMT3A protein (p.Leu125Val). This variant is present in population databases (no rsID available, gnomAD 0.02%). This variant has not been reported in the literature in individuals affected with DNMT3A-related conditions. ClinVar contains an entry for this variant (Variation ID: 2778282). Invitae Evidence Modeling of protein sequence and biophysical properties (such as structural, functional, and spatial information, amino acid conservation, physicochemical variation, residue mobility, and thermodynamic stability) indicates that this missense variant is not expected to disrupt DNMT3A protein function with a negative predictive value of 95%. In summary, the available evidence is currently insufficient to determine the role of this variant in disease. Therefore, it has been classified as a Variant of Uncertain Significance.